The following is an entry in ClinVar:

NM_001005242.3(PKP2):c.1251G>T (p.Gly417=)

Gene: PKP2 (plakophilin 2; minus strand). Cytogenetic location: 12p11.21.
Variant type: single nucleotide variant.
Coding change: c.1251G>T on transcript NM_001005242.3 (MANE Select); coding-DNA position 1251, G replaced by T.
Protein change: p.Gly417=; no amino-acid change (glycine 417 retained).
Molecular consequence: synonymous variant.
Genome position (GRCh38, 1-based): chr12:32,850,893, C>A on the plus strand (G>T on the coding strand, the complement: PKP2 is on the minus strand). VCF-style: chr12-32850893-C-A. GRCh37 (hg19) VCF-style: chr12-33003827-C-A.
Other names: c.1251G>T, p.Gly417= (NM_004572.4).
Identifiers: ClinVar variation 414022 (VCV000414022.18), dbSNP rs567854722, ClinGen allele CA16614008.

ClinVar aggregate classification (germline): Likely benign. Review status: criteria provided, multiple submitters, no conflicts (2 of 4 stars). 6 submissions from 6 submitters: Likely benign (6). Last evaluated 2025-08-17.

Conditions:
Cardiovascular phenotype. Identifiers: MedGen CN230736.
Arrhythmogenic right ventricular cardiomyopathy (ARVD). Also called: Arrhythmogenic cardiomyopathy; Cardiomyopathy, ARVC; Arrhythmogenic Right Ventricular Cardiomyopathy (ARVC); Arrhythmogenic right ventricular dysplasia. Identifiers: Orphanet 247, MedGen C0349788, MeSH D019571, MONDO:0016587. Disease mechanism: loss of function. Inheritance: Various modes of inheritance.
Cardiomyopathy (CMYO). Also called: Cardiomyopathies. Identifiers: Orphanet 167848, MedGen C0878544, MONDO:0004994, HP:0001638. Inheritance: Various modes of inheritance.
Arrhythmogenic right ventricular dysplasia 9 (ARVD9). Also called: Arrhythmogenic Right Ventricular Dysplasia/Cardiomyopathy 9; ARRHYTHMOGENIC RIGHT VENTRICULAR DYSPLASIA, FAMILIAL, 9. Identifiers: MedGen C1836906, MONDO:0012180, OMIM 609040.

Allele frequency attached by ClinVar (database versions not stated): gnomAD exomes below 0.00001; TOPMed below 0.00001; gnomAD 0.00001; 1000 Genomes Project 30x 0.00016; 1000 Genomes Project 0.00020.
gnomAD v4.1: 3 of 1,613,994 alleles (0.00019%); highest among the groups gnomAD compares: East Asian, 0.0067%; no homozygotes.

Submissions (6):

Labcorp Genetics (formerly Invitae), Labcorp
Classification: Likely benign for Arrhythmogenic right ventricular dysplasia 9. Last evaluated: 2025-08-17. Review status: criteria provided, single submitter. Criteria: Invitae Variant Classification Sherloc (09022015). Collection method: clinical testing. Allele origin: germline.

Ambry Genetics
Classification: Likely benign for Cardiovascular phenotype. Last evaluated: 2024-06-03. Review status: criteria provided, single submitter. Criteria: Ambry Variant Classification Scheme 2023. Collection method: clinical testing. Allele origin: germline.

All of Us Research Program, National Institutes of Health
Classification: Likely benign for Arrhythmogenic right ventricular cardiomyopathy. Last evaluated: 2023-08-15. Review status: criteria provided, single submitter. Criteria: ACMG Guidelines, 2015. Collection method: clinical testing. Allele origin: germline. Inheritance: Autosomal dominant inheritance. Observed: 3 variant alleles, 3 heterozygotes.
Comment: This study involves interpretation of variants in research participants for the purpose of population health screening. Participant phenotype was not available at the time of variant classification. Additional details can be found in publication PMID: 35346344, PMCID: PMC8962531

CHEO Genetics Diagnostic Laboratory, Children's Hospital of Eastern Ontario
Classification: Likely benign for Cardiomyopathy. Last evaluated: 2023-03-06. Review status: criteria provided, single submitter. Criteria: ACMG Guidelines, 2015. Collection method: clinical testing. Allele origin: germline.

Color Diagnostics, LLC DBA Color Health
Classification: Likely benign for Cardiomyopathy. Last evaluated: 2019-10-14. Review status: criteria provided, single submitter. Criteria: ACMG Guidelines, 2015. Collection method: clinical testing. Allele origin: germline.

Blueprint Genetics
Classification: Likely benign. Last evaluated: 2019-08-09. Review status: criteria provided, single submitter. Criteria: ACMG Guidelines, 2015. Collection method: clinical testing. Allele origin: germline.